The following is an entry in ClinVar:

ClinVar aggregate classification (germline): Uncertain significance. Review status: criteria provided, multiple submitters, no conflicts (2 of 4 stars). 2 submissions from 2 submitters: Uncertain significance (2). Last evaluated 2022-08-07.

Conditions:
Hereditary cancer-predisposing syndrome. Also called: Hereditary neoplastic syndrome; Neoplastic Syndromes, Hereditary; Hereditary Cancer Syndrome; Tumor predisposition. Identifiers: Orphanet 140162, MedGen C0027672, MeSH D009386, MONDO:0015356.
Bloom syndrome (BLM). Also called: Bloom-Torre-Machacek syndrome. Identifiers: Orphanet 125, MedGen C0005859, MONDO:0008876, OMIM 210900.

Submissions (2):

Labcorp Genetics (formerly Invitae), Labcorp
Classification: Uncertain significance for Bloom syndrome. Last evaluated: 2022-08-07. Review status: criteria provided, single submitter. Criteria: Invitae Variant Classification Sherloc (09022015). Collection method: clinical testing. Allele origin: germline.
Comment: This sequence change replaces asparagine, which is neutral and polar, with lysine, which is basic and polar, at codon 1099 of the BLM protein (p.Asn1099Lys). This variant is not present in population databases (gnomAD no frequency). This variant has not been reported in the literature in individuals affected with BLM-related conditions. ClinVar contains an entry for this variant (Variation ID: 659499). Algorithms developed to predict the effect of missense changes on protein structure and function (SIFT, PolyPhen-2, Align-GVGD) all suggest that this variant is likely to be tolerated. In summary, the available evidence is currently insufficient to determine the role of this variant in disease. Therefore, it has been classified as a Variant of Uncertain Significance.

Ambry Genetics
Classification: Uncertain significance for Hereditary cancer-predisposing syndrome. Last evaluated: 2021-08-28. Review status: criteria provided, single submitter. Criteria: Ambry Variant Classification Scheme 2023. Collection method: clinical testing. Allele origin: germline.
Comment: The p.N1099K variant (also known as c.3297T>G), located in coding exon 16 of the BLM gene, results from a T to G substitution at nucleotide position 3297. The asparagine at codon 1099 is replaced by lysine, an amino acid with similar properties. This amino acid position is conserved. In addition, this alteration is predicted to be tolerated by in silico analysis. Since supporting evidence is limited at this time, the clinical significance of this alteration remains unclear.

NM_000057.4(BLM):c.3297T>G (p.Asn1099Lys)

Gene: BLM (BLM RecQ like helicase; plus strand). Cytogenetic location: 15q26.1.
Variant type: single nucleotide variant.
Coding change: c.3297T>G on transcript NM_000057.4 (MANE Select); coding-DNA position 3297, T replaced by G.
Protein change: p.Asn1099Lys; replaces asparagine 1099 with lysine.
Molecular consequence: missense variant.
Genome position (GRCh38, 1-based): chr15:90,798,276, T>G. VCF-style: chr15-90798276-T-G. GRCh37 (hg19) VCF-style: chr15-91341506-T-G.
Other names: c.3297T>G, p.Asn1099Lys (NM_001287246.2, NM_001287247.2); c.2172T>G, p.Asn724Lys (NM_001287248.2); short protein forms N724K, N1099K.
Identifiers: ClinVar variation 659499 (VCV000659499.8), dbSNP rs1596263307, ClinGen allele CA393847286.
Genomic context (GRCh38, chr15:90,798,276, plus strand): 5'-CGATGTGAAAAGTATTGTAAGATTTGTTCAAGAACATAGTTCATCACAAGGAATGAGAAA[T>G]ATAAAACATGTAGGTCCTTCTGGAAGATTTACTATGAATATGCTGGTCGACATTTTCTTG-3'
Protein context (NP_000048.1, residues 1089-1109): QEHSSSQGMR[Asn1099Lys]IKHVGPSGRF